The following is an entry in ClinVar:

ClinVar aggregate classification (germline): Uncertain significance (1 of 4 stars; one submission).

Conditions:
Gnathodiaphyseal dysplasia (GDD). Also called: GNATHODIAPHYSEAL SCLEROSIS; OSTEOGENESIS IMPERFECTA WITH UNUSUAL SKELETAL LESIONS. Identifiers: Orphanet 53697, MedGen C1833736, MONDO:0008151, OMIM 166260.
Autosomal recessive limb-girdle muscular dystrophy type 2L (LGMDR12). Also called: Limb-girdle muscular dystrophy, type 2L; MUSCULAR DYSTROPHY, LIMB-GIRDLE, AUTOSOMAL RECESSIVE 12; Limb-Girdle Muscular Dystrophy R12 Anoctamin-5-Related (LGMD-R12). Identifiers: Orphanet 206549, MedGen C1969785, MONDO:0012652, OMIM 611307.

Submission:

Labcorp Genetics (formerly Invitae), Labcorp
Classification: Uncertain significance for Autosomal recessive limb-girdle muscular dystrophy type 2L; Gnathodiaphyseal dysplasia. Last evaluated: 2022-03-13. Review status: criteria provided, single submitter. Criteria: Invitae Variant Classification Sherloc (09022015). Collection method: clinical testing. Allele origin: germline.
Comment: This sequence change falls in intron 8 of the ANO5 gene. It does not directly change the encoded amino acid sequence of the ANO5 protein. It affects a nucleotide within the consensus splice site. This variant is not present in population databases (gnomAD no frequency). In summary, the available evidence is currently insufficient to determine the role of this variant in disease. Therefore, it has been classified as a Variant of Uncertain Significance. Variants that disrupt the consensus splice site are a relatively common cause of aberrant splicing (PMID: 17576681, 9536098). Algorithms developed to predict the effect of sequence changes on RNA splicing suggest that this variant may create or strengthen a splice site. This variant has not been reported in the literature in individuals affected with ANO5-related conditions.

Literature cited by the submitters: PubMed 17576681; PubMed 9536098.

NM_213599.3(ANO5):c.762+4T>C

Gene: ANO5 (anoctamin 5; plus strand). Cytogenetic location: 11p14.3.
Variant type: single nucleotide variant.
Coding change: c.762+4T>C on transcript NM_213599.3 (MANE Select); 4 bases into the intron after coding-DNA position 762, T replaced by C.
Molecular consequence: intron variant.
Genome position (GRCh38, 1-based): chr11:22,236,280, T>C. VCF-style: chr11-22236280-T-C. GRCh37 (hg19) VCF-style: chr11-22257826-T-C.
Other names: c.759+4T>C (NM_001142649.2).
Identifiers: ClinVar variation 2111036 (VCV002111036.4), dbSNP rs1564928770, ClinGen allele CA2574781401.
Genomic context (GRCh38, chr11:22,236,280, plus strand): 5'-GGGATTGAAAGACTGCTAAACTCTAACACTTACTCATCTGCCTATCCACTCCATGATGTA[T>C]GTATAGGTTTGATTGTGAAAATCTGAGCTTATTTTCCTCCTGCCATGTTCATTACTGGGA-3'